The following is an entry in ClinVar:

ClinVar aggregate classification (germline): Conflicting classifications of pathogenicity. Review status: criteria provided, conflicting classifications (1 of 4 stars). 4 submissions from 4 submitters: Uncertain significance (3); Likely benign (1). Last evaluated 2025-11-25.

Conditions:
Hereditary breast ovarian cancer syndrome. Also called: BRCA1- and BRCA2-Associated Hereditary Breast and Ovarian Cancer; Hereditary breast and ovarian cancer syndrome; Hereditary breast and ovarian cancer; Hereditary breast and ovarian cancer syndrome (HBOC); Breast and ovarian cancer; Hereditary breast and/or ovarian cancer syndrome. Identifiers: Orphanet 145, MedGen C0677776, MeSH D061325, MONDO:0003582. Disease mechanism: loss of function.
Hereditary cancer-predisposing syndrome. Also called: Neoplastic Syndromes, Hereditary; Tumor predisposition; Hereditary Cancer Syndrome; Hereditary neoplastic syndrome. Identifiers: Orphanet 140162, MedGen C0027672, MeSH D009386, MONDO:0015356.

Allele frequency attached by ClinVar (database versions not stated): gnomAD exomes below 0.00001 and 0.00001; TOPMed below 0.00001; gnomAD 0.00001; ExAC 0.00002.
gnomAD v4.1: 6 of 1,613,864 alleles (0.00037%); no homozygotes.

Submissions (4):

Ambry Genetics
Classification: Uncertain significance for Hereditary cancer-predisposing syndrome. Last evaluated: 2025-11-25. Review status: criteria provided, single submitter. Criteria: Ambry Variant Classification Scheme 2023. Collection method: clinical testing. Allele origin: germline.
Comment: The p.P1192S variant (also known as c.3574C>T), located in coding exon 9 of the BRCA1 gene, results from a C to T substitution at nucleotide position 3574. The proline at codon 1192 is replaced by serine, an amino acid with similar properties. This amino acid position is well conserved in available vertebrate species. In addition, the in silico prediction for this alteration is inconclusive. Since supporting evidence is limited at this time, the clinical significance of this alteration remains unclear.

University of Washington Department of Laboratory Medicine, University of Washington
Classification: Likely benign for Hereditary cancer-predisposing syndrome. Last evaluated: 2023-03-23. Review status: criteria provided, single submitter. Criteria: Dines et al. (Genet Med. 2020). Collection method: curation. Allele origin: germline.
Comment: Missense variant in a coldspot region where missense variants are very unlikely to be pathogenic (PMID:31911673).

BRCA1 coldspot (exon 11 using historical exon numbering). Reclassification based on statistical prior probability

Labcorp Genetics (formerly Invitae), Labcorp
Classification: Uncertain significance for Hereditary breast ovarian cancer syndrome. Last evaluated: 2021-10-04. Review status: criteria provided, single submitter. Criteria: Invitae Variant Classification Sherloc (09022015). Collection method: clinical testing. Allele origin: germline.
Comment: This variant has not been reported in the literature in individuals affected with BRCA1-related conditions. This variant is present in population databases (rs754014157, ExAC 0.005%). This sequence change replaces proline with serine at codon 1192 of the BRCA1 protein (p.Pro1192Ser). The proline residue is moderately conserved and there is a moderate physicochemical difference between proline and serine. Algorithms developed to predict the effect of missense changes on protein structure and function are either unavailable or do not agree on the potential impact of this missense change (SIFT: "Tolerated"; PolyPhen-2: "Possibly Damaging"; Align-GVGD: "Class C0"). In summary, the available evidence is currently insufficient to determine the role of this variant in disease. Therefore, it has been classified as a Variant of Uncertain Significance.

Color Diagnostics, LLC DBA Color Health
Classification: Uncertain significance for Hereditary cancer-predisposing syndrome. Last evaluated: 2020-05-15. Review status: criteria provided, single submitter. Criteria: ACMG Guidelines, 2015. Collection method: clinical testing. Allele origin: germline.
Comment: This missense variant replaces proline with serine at codon 1192 of the BRCA1 protein. Computational prediction is inconclusive regarding the impact of this variant on protein structure and function (internally defined REVEL score threshold 0.5 < inconclusive < 0.7, PMID: 27666373). To our knowledge, functional studies have not been reported for this variant. This variant has not been reported in individuals affected with hereditary cancer in the literature. This variant has been identified in 3/250866 chromosomes in the general population by the Genome Aggregation Database (gnomAD). The available evidence is insufficient to determine the role of this variant in disease conclusively. Therefore, this variant is classified as a Variant of Uncertain Significance.

NM_007294.4(BRCA1):c.3574C>T (p.Pro1192Ser)

Genes: BRCA1 (BRCA1 DNA repair associated; minus strand), LOC126862571 (BRD4-independent group 4 enhancer GRCh37_chr17:41243136-41244335; plus strand). Cytogenetic location: 17q21.31.
Variant type: single nucleotide variant.
Coding change: c.3574C>T on transcript NM_007294.4 (MANE Select); coding-DNA position 3574, C replaced by T.
Protein change: p.Pro1192Ser; replaces proline 1192 with serine.
Molecular consequence: missense variant. On other transcripts: intron variant (135).
Genome position (GRCh38, 1-based): chr17:43,091,957, G>A on the plus strand (C>T on the coding strand, the complement: BRCA1 is on the minus strand). VCF-style: chr17-43091957-G-A. GRCh37 (hg19) VCF-style: chr17-41243974-G-A.
Other names: c.3370C>T, p.Pro1124Ser (NM_001407875.1, NM_001407874.1); c.3364C>T, p.Pro1122Ser (NM_001407881.1, NM_001407882.1, NM_001407884.1 and 13 more transcripts); c.3361C>T, p.Pro1121Ser (NM_001407571.1, NM_001407853.1, NM_001407894.1 and 9 more transcripts); c.3574C>T, p.Pro1192Ser (NM_001407581.1, NM_001407582.1, NM_001407583.1 and 30 more transcripts); c.3571C>T, p.Pro1191Ser (NM_001407587.1, NM_001407590.1, NM_001407591.1 and 22 more transcripts); c.3565C>T, p.Pro1189Ser (NM_001407646.1, NM_001407647.1); c.3451C>T, p.Pro1151Ser (NM_001407648.1, NM_001407664.1, NM_001407665.1 and 19 more transcripts); c.3448C>T, p.Pro1150Ser (NM_001407649.1, NM_001407670.1, NM_001407671.1 and 11 more transcripts); and 41 more; short protein forms P1145S, P1192S, P1064S, P1065S, P1081S, P1144S, P1151S, P1104S.
Identifiers: ClinVar variation 918749 (VCV000918749.17), dbSNP rs754014157, ClinGen allele CA059376.
Genomic context (GRCh38, chr17:43,091,957, plus strand): 5'-AGGACTCTAATTTCTTGGCCCCTCTTCGGTAACCCTGAGCCAAATGTGTATGGGTGAAAG[G>A]GCTAGGACTCCTGCTAAGCTCTCCTTTCTGGACGCTTTTGCTAAAAACAGCAGAACTTTC-3'
Protein context (NP_009225.1, residues 1182-1202): QKGELSRSPS[Pro1192Ser]FTHTHLAQGY